The following is an entry in ClinVar:

NM_002180.3(IGHMBP2):c.2784+111C>A

Gene: IGHMBP2 (immunoglobulin mu DNA binding protein 2; plus strand). Cytogenetic location: 11q13.3.
Variant type: single nucleotide variant.
Coding change: c.2784+111C>A on transcript NM_002180.3 (MANE Select); 111 bases into the intron after coding-DNA position 2784, C replaced by A.
Molecular consequence: intron variant.
Genome position (GRCh38, 1-based): chr11:68,938,465, C>A. VCF-style: chr11-68938465-C-A. GRCh37 (hg19) VCF-style: chr11-68705933-C-A.
Identifiers: ClinVar variation 677041 (VCV000677041.2), dbSNP rs79957506, ClinGen allele CA13443957.

ClinVar aggregate classification (germline): Likely benign. Review status: criteria provided, multiple submitters, no conflicts (2 of 4 stars). 2 submissions from 2 submitters: Likely benign (2). Last evaluated 2018-06-19.

Allele frequency attached by ClinVar (database versions not stated): 1000 Genomes Project 30x 0.00578; 1000 Genomes Project 0.00619; TOPMed 0.01740; gnomAD 0.01967 and 0.02045.
gnomAD v4.1: 23,267 of 946,312 alleles (2.5%); highest among the groups gnomAD compares: Non-Finnish European, 3%; 441 homozygotes.

Submissions (2):

GeneDx
Classification: Likely benign. Last evaluated: 2018-06-19. Review status: criteria provided, single submitter. Criteria: GeneDx Variant Classification (06012015). Collection method: clinical testing. Allele origin: germline. Affected: yes.
Comment: This variant is considered likely benign or benign based on one or more of the following criteria: it is a conservative change, it occurs at a poorly conserved position in the protein, it is predicted to be benign by multiple in silico algorithms, and/or has population frequency not consistent with disease.

Breakthrough Genomics
Classification: Likely benign. Review status: criteria provided, single submitter. Criteria: ACMG Guidelines, 2015. Collection method: not provided. Allele origin: germline. Inheritance: Autosomal recessive inheritance. Affected: yes.